The following is an entry in ClinVar:

ClinVar aggregate classification (germline): Uncertain significance (1 of 4 stars; one submission).

Conditions:
Autosomal dominant nonsyndromic hearing loss 65. Also called: Deafness, autosomal dominant 65; TBC1D24-Related Autosomal Dominant Nonsyndromic Hearing Loss (DFNA). Identifiers: Orphanet 90635, MedGen C3892048, MONDO:0014470, OMIM 616044.
Developmental and epileptic encephalopathy, 1 (DEE1). Also called: INFANTILE SPASM SYNDROME, X-LINKED 1; X-linked infantile spasms; West's syndrome; Tonic spasms with clustering, arrest of psychomotor development and hypsarrhythmia on EEG; X-Linked Infantile Spasm Syndrome; OHTAHARA SYNDROME, X-LINKED. Identifiers: MedGen C3463992, MONDO:0010632, OMIM 308350. Disease mechanism: loss of function.

gnomAD v4.1: 1 of 1,612,410 alleles (0.000062%); highest among the groups gnomAD compares: Non-Finnish European, 0.000085%; no homozygotes.

Submission:

Labcorp Genetics (formerly Invitae), Labcorp
Classification: Uncertain significance for Developmental and epileptic encephalopathy, 1; Autosomal dominant nonsyndromic hearing loss 65. Last evaluated: 2023-08-16. Review status: criteria provided, single submitter. Criteria: Invitae Variant Classification Sherloc (09022015). Collection method: clinical testing. Allele origin: germline.
Comment: Advanced modeling of protein sequence and biophysical properties (such as structural, functional, and spatial information, amino acid conservation, physicochemical variation, residue mobility, and thermodynamic stability) performed at Invitae indicates that this missense variant is not expected to disrupt TBC1D24 protein function. This variant has not been reported in the literature in individuals affected with TBC1D24-related conditions. This variant is not present in population databases (gnomAD no frequency). This sequence change replaces glycine, which is neutral and non-polar, with cysteine, which is neutral and slightly polar, at codon 165 of the TBC1D24 protein (p.Gly165Cys). In summary, the available evidence is currently insufficient to determine the role of this variant in disease. Therefore, it has been classified as a Variant of Uncertain Significance.

NM_001199107.2(TBC1D24):c.493G>T (p.Gly165Cys)

Gene: TBC1D24 (TBC1 domain family member 24; plus strand). Cytogenetic location: 16p13.3.
Variant type: single nucleotide variant.
Coding change: c.493G>T on transcript NM_001199107.2 (MANE Select); coding-DNA position 493, G replaced by T.
Protein change: p.Gly165Cys; replaces glycine 165 with cysteine.
Molecular consequence: missense variant.
Genome position (GRCh38, 1-based): chr16:2,496,641, G>T. VCF-style: chr16-2496641-G-T. GRCh37 (hg19) VCF-style: chr16-2546642-G-T.
Other names: c.493G>T, p.Gly165Cys (NM_020705.3); short protein forms G165C.
Identifiers: ClinVar variation 2950792 (VCV002950792.3), dbSNP rs200926225, ClinGen allele CA394376245.
Genomic context (GRCh38, chr16:2,496,641, plus strand): 5'-AGCATCGACGAGGCCGAGTGCTTCGAGAAGGCCTGCCGCATCCTGGCCTGCAATGACCCC[G>T]GCAGGAGGCTGATCGACCAGAGCTTCCTGGCCTTTGAGTCGTCCTGCATGACGTTTGGGG-3'
Protein context (NP_001186036.1, residues 155-175): ACRILACNDP[Gly165Cys]RRLIDQSFLA